The following is an entry in ClinVar:

ClinVar aggregate classification (germline): Benign/Likely benign. Review status: criteria provided, multiple submitters, no conflicts (2 of 4 stars). 4 submissions from 4 submitters: Benign (1); Likely benign (3). Last evaluated 2025-03-13.

Conditions:
Pheochromocytoma. Also called: MAX-Related Hereditary Paraganglioma-Pheochromocytoma Syndrome. Identifiers: Orphanet 29072, MedGen C0031511, MONDO:0008233, OMIM 171300, HP:0002666.
Gastrointestinal stromal tumor. Also called: Gastrointestinal stroma tumor; Gastrointestinal stromal tumor, somatic. Identifiers: Orphanet 44890, MedGen C0238198, MeSH D046152, MONDO:0011719, OMIM 606764, HP:0100723.
Pheochromocytoma/paraganglioma syndrome 4. Also called: SDHB-Related Hereditary Paraganglioma-Pheochromocytoma Syndrome (Paragangliomas 4); SDHB-Related Hereditary Paraganglioma-Pheochromocytoma Syndrome; CAROTID BODY TUMORS AND MULTIPLE EXTRAADRENAL PHEOCHROMOCYTOMAS; PARAGANGLIOMA, FAMILIAL MALIGNANT; PARAGANGLIOMAS, HEREDITARY EXTRAADRENAL; PHEOCHROMOCYTOMA, FAMILIAL EXTRAADRENAL. Identifiers: Orphanet 29072, MedGen C1861848, MONDO:0007273, OMIM 115310.
Hereditary cancer-predisposing syndrome. Also called: Neoplastic Syndromes, Hereditary; Hereditary Cancer Syndrome; Hereditary neoplastic syndrome; Tumor predisposition. Identifiers: Orphanet 140162, MedGen C0027672, MeSH D009386, MONDO:0015356.
Hereditary pheochromocytoma and paraganglioma. Also called: Hereditary Paraganglioma-Pheochromocytoma Syndromes; Hereditary pheochromocytoma-paraganglioma; Hereditary paragangliomas and pheochromocytomas. Identifiers: Orphanet 29072, MedGen C4274332, MONDO:0017366.

Submissions (4):

Myriad Genetics, Inc.
Classification: Benign for Pheochromocytoma/paraganglioma syndrome 4. Last evaluated: 2025-03-13. Review status: criteria provided, single submitter. Criteria: Myriad Autosomal Dominant, Autosomal Recessive and X-Linked Classification Criteria (2023). Collection method: clinical testing. Allele origin: unknown.
Comment: This variant is considered benign. This variant is a silent/synonymous amino acid change and it is not expected to impact splicing.

Labcorp Genetics (formerly Invitae), Labcorp
Classification: Likely benign for Gastrointestinal stromal tumor; Pheochromocytoma/paraganglioma syndrome 4; Pheochromocytoma. Last evaluated: 2024-08-22. Review status: criteria provided, single submitter. Criteria: Invitae Variant Classification Sherloc (09022015). Collection method: clinical testing. Allele origin: germline.

All of Us Research Program, National Institutes of Health
Classification: Likely benign for Hereditary pheochromocytoma and paraganglioma. Last evaluated: 2024-04-25. Review status: criteria provided, single submitter. Criteria: ACMG Guidelines, 2015. Collection method: clinical testing. Allele origin: germline. Inheritance: Autosomal dominant inheritance. Observed: 1 variant allele, 1 heterozygote.
Comment: This study involves interpretation of variants in research participants for the purpose of population health screening. Participant phenotype was not available at the time of variant classification. Additional details can be found in publication PMID: 35346344, PMCID: PMC8962531

Ambry Genetics
Classification: Likely benign for Hereditary cancer-predisposing syndrome. Last evaluated: 2019-08-27. Review status: criteria provided, single submitter. Criteria: Ambry Variant Classification Scheme 2023. Collection method: clinical testing. Allele origin: germline.

NM_003000.3(SDHB):c.753G>A (p.Arg251=)

Gene: SDHB (succinate dehydrogenase complex iron sulfur subunit B; minus strand). Cytogenetic location: 1p36.13.
Variant type: single nucleotide variant.
Coding change: c.753G>A on transcript NM_003000.3 (MANE Select); coding-DNA position 753, G replaced by A.
Protein change: p.Arg251=; no amino-acid change (arginine 251 retained).
Molecular consequence: synonymous variant.
Genome position (GRCh38, 1-based): chr1:17,022,620, C>T on the plus strand (G>A on the coding strand, the complement: SDHB is on the minus strand). VCF-style: chr1-17022620-C-T. GRCh37 (hg19) VCF-style: chr1-17349115-C-T.
Identifiers: ClinVar variation 1111279 (VCV001111279.11), dbSNP rs201094649, ClinGen allele CA18662138.